The following is an entry in ClinVar:

ClinVar aggregate classification (germline): Uncertain significance (1 of 4 stars; one submission).

Conditions:
Peroxisome biogenesis disorder 2B (PBD2B). Identifiers: Orphanet 44, MedGen C3550234, MONDO:0008736, OMIM 202370.

Allele frequency attached by ClinVar (database versions not stated): gnomAD exomes below 0.00001.
gnomAD v4.1: 1 of 1,420,136 alleles (0.00007%); no homozygotes.

Submission:

Labcorp Genetics (formerly Invitae), Labcorp
Classification: Uncertain significance for Peroxisome biogenesis disorder 2B. Last evaluated: 2022-06-14. Review status: criteria provided, single submitter. Criteria: Invitae Variant Classification Sherloc (09022015). Collection method: clinical testing. Allele origin: germline.
Comment: This sequence change replaces leucine, which is neutral and non-polar, with valine, which is neutral and non-polar, at codon 528 of the PEX5 protein (p.Leu528Val). In summary, the available evidence is currently insufficient to determine the role of this variant in disease. Therefore, it has been classified as a Variant of Uncertain Significance. Algorithms developed to predict the effect of missense changes on protein structure and function are either unavailable or do not agree on the potential impact of this missense change (SIFT: "Deleterious"; PolyPhen-2: "Probably Damaging"; Align-GVGD: "Class C0"). This variant has not been reported in the literature in individuals affected with PEX5-related conditions. This variant is not present in population databases (gnomAD no frequency).

NM_001351132.2(PEX5):c.1582C>G (p.Leu528Val)

Gene: PEX5 (peroxisomal biogenesis factor 5; plus strand). Cytogenetic location: 12p13.31.
Variant type: single nucleotide variant.
Coding change: c.1582C>G on transcript NM_001351132.2 (MANE Select); coding-DNA position 1582, C replaced by G.
Protein change: p.Leu528Val; replaces leucine 528 with valine.
Molecular consequence: missense variant.
Genome position (GRCh38, 1-based): chr12:7,209,704, C>G. VCF-style: chr12-7209704-C-G. GRCh37 (hg19) VCF-style: chr12-7362300-C-G.
Other names: c.1558C>G, p.Leu520Val (NM_000319.5); c.1627C>G, p.Leu543Val (NM_001131023.2); c.1471C>G, p.Leu491Val (NM_001131024.2, NM_001351124.3, NM_001351126.2 and 7 more transcripts); c.1582C>G, p.Leu528Val (NM_001131025.2, NM_001131026.2, NM_001300789.3 and 4 more transcripts); c.1516C>G, p.Leu506Val (NM_001351135.3, NM_001351138.2); c.1573C>G, p.Leu525Val (NM_001351136.2); c.1447C>G, p.Leu483Val (NM_001351139.2, NM_001351140.2, NM_001374649.2); short protein forms L491V, L520V, L525V, L528V, L543V, L483V, L506V.
Identifiers: ClinVar variation 2006444 (VCV002006444.4), dbSNP rs2540320984, ClinGen allele CA383737771.